The following is an entry in ClinVar:

ClinVar aggregate classification (germline): Uncertain significance. Review status: criteria provided, multiple submitters, no conflicts (2 of 4 stars). 2 submissions from 2 submitters: Uncertain significance (2). Last evaluated 2026-06-04.

Conditions:
Inborn genetic diseases. Identifiers: MedGen C0950123, MeSH D030342.
Freeman-Sheldon syndrome (DA2A). Also called: CRANIOCARPOTARSAL DYSPLASIA; CRANIOCARPOTARSAL DYSTROPHY; Arthrogryposis, distal, type 2A (Freeman-Sheldon); WHISTLING FACE-WINDMILL VANE HAND SYNDROME. Identifiers: Orphanet 2053, MedGen C0265224, MONDO:0008675, OMIM 193700.
Arthrogryposis, distal, type 2B3. Also called: Arthrogryposis, distal, type 2B3 (Sheldon-Hall). Identifiers: MedGen C5193098, MONDO:0032751, OMIM 618436.

Allele frequency attached by ClinVar (database versions not stated): TOPMed below 0.00001.

Submissions (2):

Ambry Genetics
Classification: Uncertain significance for Inborn genetic diseases. Last evaluated: 2026-06-04. Review status: criteria provided, single submitter. Criteria: Ambry Variant Classification Scheme 2023. Collection method: clinical testing. Allele origin: germline.

New York Genome Center
Classification: Uncertain significance for Freeman-Sheldon syndrome; Arthrogryposis, distal, type 2B3. Last evaluated: 2020-01-29. Review status: criteria provided, single submitter. Criteria: NYGC Assertion Criteria 2020. Collection method: clinical testing. Allele origin: germline. Observed: 1 heterozygote. Study: CSER-NYCKidSeq.
Comment: The c.3125A>G, p.Glu1042Gly missense variant in the MYH3 gene has not been reported in the available literature. The variant is absent in the gnomAD database, indicating this is a rare allele. In silico tools, support a deleterious effect on the gene or gene product. Based on the available evidence, the c.3125A>G, p.Glu1042Gly in the MYH3 gene is classified as a variant of uncertain significance.

NM_002470.4(MYH3):c.3125A>G (p.Glu1042Gly)

Gene: MYH3 (myosin heavy chain 3; minus strand). Cytogenetic location: 17p13.1.
Variant type: single nucleotide variant.
Coding change: c.3125A>G on transcript NM_002470.4 (MANE Select); coding-DNA position 3125, A replaced by G.
Protein change: p.Glu1042Gly; replaces glutamic acid 1042 with glycine.
Molecular consequence: missense variant.
Genome position (GRCh38, 1-based): chr17:10,639,167, T>C on the plus strand (A>G on the coding strand, the complement: MYH3 is on the minus strand). VCF-style: chr17-10639167-T-C. GRCh37 (hg19) VCF-style: chr17-10542484-T-C.
Other names: short protein forms E1042G.
Identifiers: ClinVar variation 978138 (VCV000978138.3), dbSNP rs2074245603, ClinGen allele CA398154855.